The following is an entry in ClinVar:

ClinVar aggregate classification (germline): Uncertain significance (1 of 4 stars; one submission).

gnomAD v4.1: 33 of 1,601,102 alleles (0.0021%); highest among the groups gnomAD compares: Non-Finnish European, 0.0026%; no homozygotes.

Submission:

Labcorp Genetics (formerly Invitae), Labcorp
Classification: Uncertain significance. Last evaluated: 2024-04-17. Review status: criteria provided, single submitter. Criteria: Invitae Variant Classification Sherloc (09022015). Collection method: clinical testing. Allele origin: germline.
Comment: This sequence change falls in intron 1 of the CYP24A1 gene. It does not directly change the encoded amino acid sequence of the CYP24A1 protein. This variant is present in population databases (rs755422926, gnomAD 0.007%). This variant has not been reported in the literature in individuals affected with CYP24A1-related conditions. Algorithms developed to predict the effect of sequence changes on RNA splicing suggest that this variant may disrupt the consensus splice site. In summary, the available evidence is currently insufficient to determine the role of this variant in disease. Therefore, it has been classified as a Variant of Uncertain Significance.

NM_000782.5(CYP24A1):c.259-12G>A

Gene: CYP24A1 (cytochrome P450 family 24 subfamily A member 1; minus strand). Cytogenetic location: 20q13.2.
Variant type: single nucleotide variant.
Coding change: c.259-12G>A on transcript NM_000782.5 (MANE Select); 12 bases into the intron before coding-DNA position 259, G replaced by A.
Molecular consequence: intron variant.
Genome position (GRCh38, 1-based): chr20:54,173,111, C>T on the plus strand (G>A on the coding strand, the complement: CYP24A1 is on the minus strand). VCF-style: chr20-54173111-C-T. GRCh37 (hg19) VCF-style: chr20-52789650-C-T.
Other names: c.259-12G>A (NM_001128915.2, NM_001424343.1, NM_001424342.1 and 2 more transcripts).
Identifiers: ClinVar variation 3611808 (VCV003611808.2).